The following is an entry in ClinVar:

ClinVar aggregate classification (germline): Uncertain significance. Review status: criteria provided, single submitter (1 of 4 stars). 3 submissions from 3 submitters: Uncertain significance (1). 2 of the submissions do not count toward it. Last evaluated 2025-10-14.

Allele frequency attached by ClinVar (database versions not stated): gnomAD exomes 0.00010 and 0.00005; ExAC 0.00018; 1000 Genomes Project 30x 0.00031; 1000 Genomes Project 0.00040; TOPMed 0.00001; gnomAD 0.00003.
gnomAD v4.1: 84 of 1,584,718 alleles (0.0053%); highest among the groups gnomAD compares: South Asian, 0.088%; 1 homozygote.

Submissions (3):

Labcorp Genetics (formerly Invitae), Labcorp
Classification: Uncertain significance. Last evaluated: 2025-10-14. Review status: criteria provided, single submitter. Criteria: Invitae Variant Classification Sherloc (09022015). Collection method: clinical testing. Allele origin: germline.
Comment: This sequence change replaces proline, which is neutral and non-polar, with serine, which is neutral and polar, at codon 1396 of the TOP2B protein (p.Pro1396Ser). This variant is present in population databases (rs566991124, gnomAD 0.07%), and has an allele count higher than expected for a pathogenic variant. This variant has not been reported in the literature in individuals affected with TOP2B-related conditions. ClinVar contains an entry for this variant (Variation ID: 1299892). An algorithm developed to predict the effect of missense changes on protein structure and function (PolyPhen-2) suggests that this variant is likely to be tolerated. In summary, the available evidence is currently insufficient to determine the role of this variant in disease. Therefore, it has been classified as a Variant of Uncertain Significance.

Clinical Genetics DNA and cytogenetics Diagnostics Lab, Erasmus MC, Erasmus Medical Center
Classification: Uncertain significance. Review status: no assertion criteria provided. Collection method: clinical testing. Allele origin: germline. Affected: yes. Study: VKGL Data-share Consensus. Not counted in ClinVar's aggregate classification.

Diagnostic Laboratory, Department of Genetics, University Medical Center Groningen
Classification: Uncertain significance. Review status: no assertion criteria provided. Collection method: clinical testing. Allele origin: germline. Affected: yes. Study: VKGL Data-share Consensus. Not counted in ClinVar's aggregate classification.

NM_001330700.2(TOP2B):c.4201C>T (p.Pro1401Ser)

Gene: TOP2B (DNA topoisomerase II beta; minus strand). Cytogenetic location: 3p24.2.
Variant type: single nucleotide variant.
Coding change: c.4201C>T on transcript NM_001330700.2 (MANE Select); coding-DNA position 4201, C replaced by T.
Protein change: p.Pro1401Ser; replaces proline 1401 with serine.
Molecular consequence: missense variant.
Genome position (GRCh38, 1-based): chr3:25,607,268, G>A on the plus strand (C>T on the coding strand, the complement: TOP2B is on the minus strand). VCF-style: chr3-25607268-G-A. GRCh37 (hg19) VCF-style: chr3-25648759-G-A.
Other names: c.4186C>T, p.Pro1396Ser (NM_001068.3); short protein forms P1396S, P1401S.
Identifiers: ClinVar variation 1299892 (VCV001299892.3), dbSNP rs566991124, ClinGen allele CA2288141.